The following is an entry in ClinVar:

ClinVar aggregate classification (germline): Benign. Review status: criteria provided, single submitter (1 of 4 stars). 2 submissions from 2 submitters: Benign (1). 1 of the submissions does not count toward it. Last evaluated 2026-02-01.

Conditions:
PKD1L1-related disorder. Also called: PKD1L1-related condition.

Allele frequency attached by ClinVar (database versions not stated): gnomAD exomes 0.01183; ExAC 0.02098; 1000 Genomes Project 0.04593; 1000 Genomes Project 30x 0.04856; gnomAD 0.05311; TOPMed 0.05989; ESP Exome Variant Server 0.06328.
gnomAD v4.1: 25,716 of 1,613,676 alleles (1.6%); highest among the groups gnomAD compares: African/African-American, 16%; 1,092 homozygotes.

Submissions (2):

Labcorp Genetics (formerly Invitae), Labcorp
Classification: Benign. Last evaluated: 2026-02-01. Review status: criteria provided, single submitter. Criteria: Invitae Variant Classification Sherloc (09022015). Collection method: clinical testing. Allele origin: germline.

PreventionGenetics, part of Exact Sciences
Classification: Benign for PKD1L1-related condition. Last evaluated: 2019-06-17. Review status: no assertion criteria provided. Collection method: clinical testing. Allele origin: germline. Not counted in ClinVar's aggregate classification.
Comment: This variant is classified as benign based on ACMG/AMP sequence variant interpretation guidelines (Richards et al. 2015 PMID: 25741868, with internal and published modifications).

NM_138295.5(PKD1L1):c.2774C>T (p.Pro925Leu)

Gene: PKD1L1 (polycystin 1 like 1, transient receptor potential channel interacting; minus strand). Cytogenetic location: 7p12.3.
Variant type: single nucleotide variant.
Coding change: c.2774C>T on transcript NM_138295.5 (MANE Select); coding-DNA position 2774, C replaced by T.
Protein change: p.Pro925Leu; replaces proline 925 with leucine.
Molecular consequence: missense variant.
Genome position (GRCh38, 1-based): chr7:47,888,052, G>A on the plus strand (C>T on the coding strand, the complement: PKD1L1 is on the minus strand). VCF-style: chr7-47888052-G-A. GRCh37 (hg19) VCF-style: chr7-47927650-G-A.
Other names: c.2774C>T (NM_138295.3); short protein forms P925L.
Identifiers: ClinVar variation 2039471 (VCV002039471.6), dbSNP rs79105203, ClinGen allele CA4253626.